The following is an entry in ClinVar:

ClinVar aggregate classification (germline): Uncertain significance (1 of 4 stars; one submission).

gnomAD v4.1: 2 of 1,612,930 alleles (0.00012%); highest among the groups gnomAD compares: South Asian, 0.0011%; no homozygotes.

Submission:

CeGaT Center for Human Genetics Tuebingen
Classification: Uncertain significance. Last evaluated: 2025-09-01. Review status: criteria provided, single submitter. Criteria: CeGaT Center For Human Genetics Tuebingen Variant Classification Criteria Version 2. Collection method: clinical testing. Allele origin: germline. Affected: yes. Observed: 1 variant allele.
Comment: SON: PM2:Supporting, BP1

NM_138927.4(SON):c.5810G>A (p.Arg1937Gln)

Gene: SON (SON DNA and RNA binding protein; plus strand). Cytogenetic location: 21q22.11.
Variant type: single nucleotide variant.
Coding change: c.5810G>A on transcript NM_138927.4 (MANE Select); coding-DNA position 5810, G replaced by A.
Protein change: p.Arg1937Gln; replaces arginine 1937 with glutamine.
Molecular consequence: missense variant. On other transcripts: non-coding transcript variant (1), intron variant (1).
Genome position (GRCh38, 1-based): chr21:33,555,041, G>A. VCF-style: chr21-33555041-G-A. GRCh37 (hg19) VCF-style: chr21-34927347-G-A.
Other names: c.5810G>A, p.Arg1937Gln (NM_001291411.2, NM_032195.3); c.245-2115G>A (NM_001291412.3); short protein forms R1937Q.
Identifiers: ClinVar variation 4281299 (VCV004281299.7).